The following is an entry in ClinVar:

ClinVar aggregate classification (germline): Uncertain significance (1 of 4 stars; one submission).

Allele frequency attached by ClinVar (database versions not stated): TOPMed below 0.00001.
gnomAD v4.1: 1 of 1,608,116 alleles (0.000062%); highest among the groups gnomAD compares: Non-Finnish European, 0.000085%; no homozygotes.

Submission:

GeneDx
Classification: Uncertain significance. Last evaluated: 2026-10-22. Review status: criteria provided, single submitter. Criteria: GeneDx Variant Classification Process June 2021. Collection method: clinical testing. Allele origin: germline.
Comment: Not observed at significant frequency in large population cohorts (gnomAD); In silico analysis suggests that this missense variant does not alter protein structure/function; Has not been previously published as pathogenic or benign to our knowledge

NM_013275.6(ANKRD11):c.6329C>G (p.Ser2110Cys)

Gene: ANKRD11 (ankyrin repeat domain 11; minus strand). Cytogenetic location: 16q24.3.
Variant type: single nucleotide variant.
Coding change: c.6329C>G on transcript NM_013275.6 (MANE Select); coding-DNA position 6329, C replaced by G.
Protein change: p.Ser2110Cys; replaces serine 2110 with cysteine.
Molecular consequence: missense variant.
Genome position (GRCh38, 1-based): chr16:89,280,213, G>C on the plus strand (C>G on the coding strand, the complement: ANKRD11 is on the minus strand). VCF-style: chr16-89280213-G-C. GRCh37 (hg19) VCF-style: chr16-89346621-G-C.
Other names: c.6329C>G, p.Ser2110Cys (NM_001256182.2, NM_001256183.2); short protein forms S2110C.
Identifiers: ClinVar variation 2442504 (VCV002442504.3), dbSNP rs754349927, ClinGen allele CA8241494.